The following is an entry in ClinVar:

NM_024675.4(PALB2):c.2255del (p.Gly752fs)

Gene: PALB2 (partner and localizer of BRCA2; minus strand). Cytogenetic location: 16p12.2.
Variant type: Deletion.
Coding change: c.2255del on transcript NM_024675.4 (MANE Select); coding-DNA position 2255, one base deleted (G; older notation c.2255delG).
Protein change: p.Gly752fs; shifts the reading frame from glycine 752.
Molecular consequence: frameshift variant.
Genome position (GRCh38, 1-based): chr16:23,629,899, C deleted on the plus strand (G on the coding strand, the reverse complement: PALB2 is on the minus strand); the first of 2 consecutive C bases (chr16:23,629,899-23,629,900); deleting either gives the same sequence. VCF-style (leftmost placement, unchanged base first): chr16-23629898-TC-T. GRCh37 (hg19) VCF-style: chr16-23641219-TC-T.
Other names: short protein forms G752fs.
Identifiers: ClinVar variation 1391561 (VCV001391561.7), dbSNP rs2142377240, ClinGen allele CA2573152215.

ClinVar aggregate classification (germline): Pathogenic (1 of 4 stars; one submission).

Conditions:
Familial cancer of breast. Also called: hereditary breast carcinoma; BREAST CANCER, FAMILIAL; Hereditary breast cancer. Identifiers: Orphanet 227535, MedGen C0346153, MONDO:0016419, OMIM 114480. Disease mechanism: loss of function.

Submission:

Labcorp Genetics (formerly Invitae), Labcorp
Classification: Pathogenic for Familial cancer of breast. Last evaluated: 2021-09-25. Review status: criteria provided, single submitter. Criteria: Invitae Variant Classification Sherloc (09022015). Collection method: clinical testing. Allele origin: germline.
Comment: This sequence change creates a premature translational stop signal (p.Gly752Aspfs*12) in the PALB2 gene. It is expected to result in an absent or disrupted protein product. Loss-of-function variants in PALB2 are known to be pathogenic (PMID: 17200668, 17200671, 17200672, 24136930, 25099575). This variant is not present in population databases (ExAC no frequency). This variant has not been reported in the literature in individuals affected with PALB2-related conditions. For these reasons, this variant has been classified as Pathogenic.

Literature cited by the submitters: PubMed 17200668; PubMed 17200671; PubMed 17200672; PubMed 24136930; PubMed 25099575.